The following is an entry in ClinVar:

ClinVar aggregate classification (germline): Uncertain significance (1 of 4 stars; one submission).

Submission:

Labcorp Genetics (formerly Invitae), Labcorp
Classification: Uncertain significance. Last evaluated: 2024-09-10. Review status: criteria provided, single submitter. Criteria: Invitae Variant Classification Sherloc (09022015). Collection method: clinical testing. Allele origin: germline.
Comment: This variant, c.630_641del, results in the deletion of 4 amino acid(s) of the MYCN protein (p.Ser211_Ala214del), but otherwise preserves the integrity of the reading frame. This variant is not present in population databases (gnomAD no frequency). This variant has not been reported in the literature in individuals affected with MYCN-related conditions. Experimental studies and prediction algorithms are not available or were not evaluated, and the functional significance of this variant is currently unknown. In summary, the available evidence is currently insufficient to determine the role of this variant in disease. Therefore, it has been classified as a Variant of Uncertain Significance.

NM_005378.6(MYCN):c.630_641del (p.Ser211_Ala214del)

Gene: MYCN (MYCN proto-oncogene, bHLH transcription factor; plus strand). Cytogenetic location: 2p24.3.
Variant type: Deletion.
Coding change: c.630_641del on transcript NM_005378.6 (MANE Select); coding-DNA positions 630 to 641, 12 bases deleted (CAGTGCCCCGGC).
Protein change: p.Ser211_Ala214del.
Molecular consequence: 3 prime UTR variant (on NM_001293233.2). On other transcripts: intron variant (1).
Genome position (GRCh38, 1-based): chr2:15,942,694-15,942,705, CAGTGCCCCGGC deleted; deleting any 12 consecutive bases within chr2:15,942,686-15,942,705 gives the same sequence; the c. name uses the placement nearest the transcript's 3' end. VCF-style (leftmost placement, unchanged base first): chr2-15942685-AGCCCCGGCCAGT-A. GRCh37 (hg19) VCF-style: chr2-16082807-AGCCCCGGCCAGT-A.
Other names: c.630_641del, p.Ser211_Ala214del (NM_001293228.2); c.*565_*576del (NM_001293233.2); c.157+1951_157+1962del (NM_001293231.2).
Identifiers: ClinVar variation 3681640 (VCV003681640.2).